The following is an entry in ClinVar:

ClinVar aggregate classification (germline): Likely benign (1 of 4 stars; one submission).

gnomAD v4.1: 1,125 of 1,613,972 alleles (0.07%); highest among the groups gnomAD compares: African/African-American, 1.3%; 10 homozygotes.

Submission:

CeGaT Center for Human Genetics Tuebingen
Classification: Likely benign. Last evaluated: 2026-02-01. Review status: criteria provided, single submitter. Criteria: CeGaT Center For Human Genetics Tuebingen Variant Classification Criteria Version 2. Collection method: clinical testing. Allele origin: germline. Affected: yes. Observed: 1 variant allele.
Comment: MCM7: BP4, BS1

NM_005916.5(MCM7):c.268G>A (p.Glu90Lys)

Gene: MCM7 (minichromosome maintenance complex component 7; minus strand). Cytogenetic location: 7q22.1.
Variant type: single nucleotide variant.
Coding change: c.268G>A on transcript NM_005916.5 (MANE Select); coding-DNA position 268, G replaced by A.
Protein change: p.Glu90Lys; replaces glutamic acid 90 with lysine.
Molecular consequence: missense variant. On other transcripts: 5 prime UTR variant (5).
Genome position (GRCh38, 1-based): chr7:100,099,597, C>T on the plus strand (G>A on the coding strand, the complement: MCM7 is on the minus strand). VCF-style: chr7-100099597-C-T. GRCh37 (hg19) VCF-style: chr7-99697220-C-T.
Other names: c.-336G>A (NM_001278595.2, NM_182776.3); c.-54G>A (NM_001439271.1, NM_001439272.1, NM_001439273.1); short protein forms E90K.
Identifiers: ClinVar variation 4821515 (VCV004821515.4).
Genomic context (GRCh38, chr7:100,099,597, plus strand): 5'-CAGAAGCTTAAACGCCTCGCCCTTTGTTTGCCATTGTTCTCTAACCACTCACTTCCCTCT[C>T]CTTGTACTGAGGCAGCAGCTCTTGTACGGCATCAGCAAAGAGCTTCGCGTAGCGCCTGGC-3'
Protein context (NP_005907.3, residues 80-100): AVQELLPQYK[Glu90Lys]REVVNKDVLD